The following is an entry in ClinVar:

NM_005720.4(ARPC1B):c.613G>A (p.Val205Ile)

Gene: ARPC1B (actin related protein 2/3 complex subunit 1B; plus strand). Cytogenetic location: 7q22.1.
Variant type: single nucleotide variant.
Coding change: c.613G>A on transcript NM_005720.4 (MANE Select); coding-DNA position 613, G replaced by A.
Protein change: p.Val205Ile; replaces valine 205 with isoleucine.
Molecular consequence: missense variant.
Genome position (GRCh38, 1-based): chr7:99,391,005, G>A. VCF-style: chr7-99391005-G-A. GRCh37 (hg19) VCF-style: chr7-98988628-G-A.
Other names: p.Val205Ile; short protein forms V205I.
Identifiers: ClinVar variation 1373918 (VCV001373918.5), dbSNP rs1794553280, ClinGen allele CA368323695.

ClinVar aggregate classification (germline): Uncertain significance. Review status: criteria provided, multiple submitters, no conflicts (2 of 4 stars). 3 submissions from 3 submitters: Uncertain significance (3). Last evaluated 2024-07-03.

Submissions (3):

Mayo Clinic Laboratories, Mayo Clinic
Classification: Uncertain significance. Last evaluated: 2024-07-03. Review status: criteria provided, single submitter. Criteria: ACMG Guidelines, 2015. Collection method: clinical testing. Allele origin: germline. Observed: 1 variant allele.
Comment: BP4, PM1_supporting, PM2

Blueprint Genetics
Classification: Uncertain significance. Last evaluated: 2022-11-08. Review status: criteria provided, single submitter. Criteria: ACMG Guidelines, 2015. Collection method: clinical testing. Allele origin: germline.

Labcorp Genetics (formerly Invitae), Labcorp
Classification: Uncertain significance. Last evaluated: 2022-08-17. Review status: criteria provided, single submitter. Criteria: Invitae Variant Classification Sherloc (09022015). Collection method: clinical testing. Allele origin: germline.
Comment: This sequence change replaces valine, which is neutral and non-polar, with isoleucine, which is neutral and non-polar, at codon 205 of the ARPC1B protein (p.Val205Ile). This variant is not present in population databases (gnomAD no frequency). This variant has not been reported in the literature in individuals affected with ARPC1B-related conditions. ClinVar contains an entry for this variant (Variation ID: 1373918). Algorithms developed to predict the effect of missense changes on protein structure and function (SIFT, PolyPhen-2, Align-GVGD) all suggest that this variant is likely to be tolerated. In summary, the available evidence is currently insufficient to determine the role of this variant in disease. Therefore, it has been classified as a Variant of Uncertain Significance.